The following is an entry in ClinVar:

ClinVar aggregate classification (germline): Uncertain significance (1 of 4 stars; one submission).

Conditions:
Hereditary cancer-predisposing syndrome. Also called: Neoplastic Syndromes, Hereditary; Tumor predisposition; Hereditary Cancer Syndrome; Hereditary neoplastic syndrome. Identifiers: Orphanet 140162, MedGen C0027672, MeSH D009386, MONDO:0015356.
Cardiovascular phenotype. Identifiers: MedGen CN230736.

Submission:

Ambry Genetics
Classification: Uncertain significance for Cardiovascular phenotype; Hereditary cancer-predisposing syndrome. Last evaluated: 2022-06-05. Review status: criteria provided, single submitter. Criteria: Ambry Variant Classification Scheme 2023. Collection method: clinical testing. Allele origin: germline.
Comment: The p.A1139P variant (also known as c.3415G>C), located in coding exon 26 of the NF1 gene, results from a G to C substitution at nucleotide position 3415. The alanine at codon 1139 is replaced by proline, an amino acid with highly similar properties. This amino acid position is conserved. In addition, the in silico prediction for this alteration is inconclusive. Since supporting evidence is limited at this time, the clinical significance of this alteration remains unclear.

NM_001042492.3(NF1):c.3415G>C (p.Ala1139Pro)

Gene: NF1 (neurofibromin 1; plus strand). Cytogenetic location: 17q11.2.
Variant type: single nucleotide variant.
Coding change: c.3415G>C on transcript NM_001042492.3 (MANE Select); coding-DNA position 3415, G replaced by C.
Protein change: p.Ala1139Pro; replaces alanine 1139 with proline.
Molecular consequence: missense variant.
Genome position (GRCh38, 1-based): chr17:31,232,800, G>C. VCF-style: chr17-31232800-G-C. GRCh37 (hg19) VCF-style: chr17-29559818-G-C.
Other names: c.3415G>C, p.Ala1139Pro (NM_000267.4); short protein forms A1139P.
Identifiers: ClinVar variation 1731207 (VCV001731207.2), dbSNP rs587778551, ClinGen allele CA398989187.